The following is an entry in ClinVar:

NM_020843.4(SCAPER):c.613G>A (p.Gly205Ser)

Gene: SCAPER (S-phase cyclin A associated protein in the ER; minus strand). Cytogenetic location: 15q24.3.
Variant type: single nucleotide variant.
Coding change: c.613G>A on transcript NM_020843.4 (MANE Select); coding-DNA position 613, G replaced by A.
Protein change: p.Gly205Ser; replaces glycine 205 with serine.
Molecular consequence: missense variant. On other transcripts: 5 prime UTR variant (1), non-coding transcript variant (1).
Genome position (GRCh38, 1-based): chr15:76,795,439, C>T on the plus strand (G>A on the coding strand, the complement: SCAPER is on the minus strand). VCF-style: chr15-76795439-C-T. GRCh37 (hg19) VCF-style: chr15-77087780-C-T.
Other names: c.613G>A (NM_001353009.1); c.-285G>A (NM_001145923.2); c.613G>A, p.Gly205Ser (NM_001353009.2); c.211G>A, p.Gly71Ser (NM_001353010.2, NM_001353011.2, NM_001353012.2); short protein forms G71S, G205S.
Identifiers: ClinVar variation 4160231 (VCV004160231.2).
Genomic context (GRCh38, chr15:76,795,439, plus strand): 5'-TGTCAGCCCAACTGACACCTGTGGGAGCCAGACGAGGAGCTGGCACTGTGCCAGTTGAAC[C>T]TCTATGGAGAAAAATAAACACATTTAATAAATTAAATATAAAAGAAAAACTTCTGAATAT-3'
Protein context (NP_065894.2, residues 195-215): SNARRSLNFG[Gly205Ser]STGTVPAPRL

ClinVar aggregate classification (germline): Uncertain significance. Review status: criteria provided, multiple submitters, no conflicts (2 of 4 stars). 2 submissions from 2 submitters: Uncertain significance (2). Last evaluated 2026-08-24.

Conditions:
SCAPER-related disorder. Also called: SCAPER-related condition.
Inborn genetic diseases. Identifiers: MedGen C0950123, MeSH D030342.

Submissions (2):

PreventionGenetics, part of Exact Sciences
Classification: Uncertain significance for SCAPER-related condition. Last evaluated: 2026-08-24. Review status: criteria provided, single submitter. Criteria: ACMG Guidelines, 2015. Collection method: clinical testing. Allele origin: germline.
Comment: The SCAPER c.613G>A variant is predicted to result in the amino acid substitution p.Gly205Ser. To our knowledge, this variant has not been reported in the literature. This variant is reported in 0.0051% of alleles in individuals of European (Non-Finnish) descent in gnomAD. At this time, the clinical significance of this variant is uncertain due to the absence of conclusive functional and genetic evidence.

Ambry Genetics
Classification: Uncertain significance for Inborn genetic diseases. Last evaluated: 2025-06-17. Review status: criteria provided, single submitter. Criteria: Ambry Variant Classification Scheme 2023. Collection method: clinical testing. Allele origin: germline.